The following is an entry in ClinVar:

ClinVar aggregate classification (germline): Uncertain significance. Review status: criteria provided, multiple submitters, no conflicts (2 of 4 stars). 2 submissions from 2 submitters: Uncertain significance (2). Last evaluated 2025-11-03.

Conditions:
Aniridia 1 (AN1). Identifiers: Orphanet 250923, MedGen C0344542, MONDO:0024507, OMIM 106210.
Irido-corneo-trabecular dysgenesis (ASGD5). Also called: ANTERIOR SEGMENT DYSGENESIS 5. Identifiers: Orphanet 708, MedGen C0344559, MONDO:0011414, OMIM 604229, HP:0000659.
Inborn genetic diseases. Identifiers: MedGen C0950123, MeSH D030342.

Allele frequency attached by ClinVar (database versions not stated): gnomAD 0.00001; ExAC 0.00002; TOPMed 0.00002.
gnomAD v4.1: 18 of 1,612,520 alleles (0.0011%); highest among the groups gnomAD compares: Admixed American, 0.005%; no homozygotes.

Submissions (2):

Ambry Genetics
Classification: Uncertain significance for Inborn genetic diseases. Last evaluated: 2025-11-03. Review status: criteria provided, single submitter. Criteria: Ambry Variant Classification Scheme 2023. Collection method: clinical testing. Allele origin: germline.
Comment: The c.1117A>G (p.T373A) alteration is located in exon 12 (coding exon 9) of the PAX6 gene. This alteration results from a A to G substitution at nucleotide position 1117, causing the threonine (T) at amino acid position 373 to be replaced by an alanine (A). Based on data from gnomAD, the G allele has an overall frequency of 0.002% (4/251428) total alleles studied. The highest observed frequency was 0.03% (3/10078) of Ashkenazi Jewish alleles. Based on insufficient or conflicting evidence, the clinical significance of this alteration remains unclear.

Labcorp Genetics (formerly Invitae), Labcorp
Classification: Uncertain significance for Aniridia 1; Irido-corneo-trabecular dysgenesis. Last evaluated: 2025-04-28. Review status: criteria provided, single submitter. Criteria: Invitae Variant Classification Sherloc (09022015). Collection method: clinical testing. Allele origin: germline.
Comment: This sequence change replaces threonine, which is neutral and polar, with alanine, which is neutral and non-polar, at codon 373 of the PAX6 protein (p.Thr373Ala). This variant is present in population databases (rs758447642, gnomAD 0.03%). This variant has not been reported in the literature in individuals affected with PAX6-related conditions. ClinVar contains an entry for this variant (Variation ID: 2480424). Invitae Evidence Modeling of protein sequence and biophysical properties (such as structural, functional, and spatial information, amino acid conservation, physicochemical variation, residue mobility, and thermodynamic stability) indicates that this missense variant is not expected to disrupt PAX6 protein function with a negative predictive value of 95%. In summary, the available evidence is currently insufficient to determine the role of this variant in disease. Therefore, it has been classified as a Variant of Uncertain Significance.

NM_001368894.2(PAX6):c.1159A>G (p.Thr387Ala)

Gene: PAX6 (paired box 6; minus strand). Cytogenetic location: 11p13.
Variant type: single nucleotide variant.
Coding change: c.1159A>G on transcript NM_001368894.2 (MANE Select); coding-DNA position 1159, A replaced by G.
Protein change: p.Thr387Ala; replaces threonine 387 with alanine.
Molecular consequence: missense variant. On other transcripts: non-coding transcript variant (1), intron variant (9).
Genome position (GRCh38, 1-based): chr11:31,790,776, T>C on the plus strand (A>G on the coding strand, the complement: PAX6 is on the minus strand). VCF-style: chr11-31790776-T-C. GRCh37 (hg19) VCF-style: chr11-31812324-T-C.
Other names: c.1117A>G, p.Thr373Ala (NM_000280.6, NM_001127612.3, NM_001258464.2 and 6 more transcripts); c.1159A>G, p.Thr387Ala (NM_001258462.3, NM_001258463.2, NM_001310158.2 and 3 more transcripts); c.709A>G, p.Thr237Ala (NM_001310160.2, NM_001310161.3, NM_001368899.2 and 10 more transcripts); c.1360A>G, p.Thr454Ala (NM_001368910.2); c.1234A>G, p.Thr412Ala (NM_001368918.2, NM_001368919.2); c.1192A>G, p.Thr398Ala (NM_001368920.2); c.958A>G, p.Thr320Ala (NM_001368922.2, NM_001368923.2, NM_001368924.2 and 3 more transcripts); c.916A>G, p.Thr306Ala (NM_001368928.2); and 6 more; short protein forms T373A, T172A, T320A, T398A, T237A, T387A, T306A, T412A.
Identifiers: ClinVar variation 2480424 (VCV002480424.6), dbSNP rs758447642, ClinGen allele CA5933679.
Genomic context (GRCh38, chr11:31,790,776, plus strand): 5'-AAGTGGTGCCCGAGGTGCCCATTGGCTGACTGTTCATGTGTGTCTGCATATGTGGGGGGG[T>C]GTAGGTATCATAACTCCGCCCATTCACCGAAGGGCTGGTGGGCAGCATGCAGGAGTATGA-3'
Protein context (NP_001355823.1, residues 377-397): SVNGRSYDTY[Thr387Ala]PPHMQTHMNS